The following is an entry in ClinVar:

NM_001364905.1(LRBA):c.2472C>T (p.Thr824=)

Gene: LRBA (LPS responsive beige-like anchor protein; minus strand). Cytogenetic location: 4q31.3.
Variant type: single nucleotide variant.
Coding change: c.2472C>T on transcript NM_001364905.1 (MANE Select); coding-DNA position 2472, C replaced by T.
Protein change: p.Thr824=; no amino-acid change (threonine 824 retained).
Molecular consequence: synonymous variant.
Genome position (GRCh38, 1-based): chr4:150,868,283, G>A on the plus strand (C>T on the coding strand, the complement: LRBA is on the minus strand). VCF-style: chr4-150868283-G-A. GRCh37 (hg19) VCF-style: chr4-151789435-G-A.
Other names: c.2472C>T, p.Thr824= (NM_001199282.3, NM_001367550.1, NM_006726.5).
Identifiers: ClinVar variation 733686 (VCV000733686.16), dbSNP rs149235577, ClinGen allele CA3103227.

ClinVar aggregate classification (germline): Benign/Likely benign. Review status: criteria provided, multiple submitters, no conflicts (2 of 4 stars). 4 submissions from 4 submitters: Benign (1); Likely benign (2). 1 of the submissions does not count toward it. Last evaluated 2026-01-22.

Conditions:
LRBA-related disorder. Also called: LRBA-related condition.
Combined immunodeficiency due to LRBA deficiency. Also called: Common variable immunodeficiency 8, with autoimmunity. Identifiers: Orphanet 445018, MedGen C3553512, MONDO:0013863, OMIM 614700.

Allele frequency attached by ClinVar (database versions not stated): gnomAD exomes 0.00016 and 0.00031; ExAC 0.00039; TOPMed 0.00152; gnomAD 0.00154 and 0.00163; 1000 Genomes Project 0.00160; ESP Exome Variant Server 0.00169; 1000 Genomes Project 30x 0.00203.
gnomAD v4.1: 481 of 1,610,916 alleles (0.03%); highest among the groups gnomAD compares: African/African-American, 0.57%; no homozygotes.

Submissions (4):

Labcorp Genetics (formerly Invitae), Labcorp
Classification: Benign for Combined immunodeficiency due to LRBA deficiency. Last evaluated: 2026-01-22. Review status: criteria provided, single submitter. Criteria: Invitae Variant Classification Sherloc (09022015). Collection method: clinical testing. Allele origin: germline.

Blueprint Genetics
Classification: Likely benign. Last evaluated: 2024-11-25. Review status: criteria provided, single submitter. Criteria: ACMG Guidelines, 2015. Collection method: clinical testing. Allele origin: germline.

Genetic Services Laboratory, University of Chicago
Classification: Likely benign. Last evaluated: 2021-01-04. Review status: criteria provided, single submitter. Criteria: ACMG Guidelines, 2015. Collection method: clinical testing. Allele origin: germline. Affected: no.

PreventionGenetics, part of Exact Sciences
Classification: Likely benign for LRBA-related condition. Last evaluated: 2019-10-28. Review status: no assertion criteria provided. Collection method: clinical testing. Allele origin: germline. Not counted in ClinVar's aggregate classification.
Comment: This variant is classified as likely benign based on ACMG/AMP sequence variant interpretation guidelines (Richards et al. 2015 PMID: 25741868, with internal and published modifications).